The following is an entry in ClinVar:

NM_000238.4(KCNH2):c.1193G>T (p.Trp398Leu)

Gene: KCNH2 (potassium voltage-gated channel subfamily H member 2; minus strand). Cytogenetic location: 7q36.1.
Variant type: single nucleotide variant.
Coding change: c.1193G>T on transcript NM_000238.4 (MANE Select); coding-DNA position 1193, G replaced by T.
Protein change: p.Trp398Leu; replaces tryptophan 398 with leucine.
Molecular consequence: missense variant. On other transcripts: non-coding transcript variant (2).
Genome position (GRCh38, 1-based): chr7:150,952,789, C>A on the plus strand (G>T on the coding strand, the complement: KCNH2 is on the minus strand). VCF-style: chr7-150952789-C-A. GRCh37 (hg19) VCF-style: chr7-150649877-C-A.
Other names: c.173G>T, p.Trp58Leu (NM_001204798.2, NM_172057.3); c.905G>T, p.Trp302Leu (NM_001406753.1, NM_001406756.1); c.1016G>T, p.Trp339Leu (NM_001406755.1); c.893G>T, p.Trp298Leu (NM_001406757.1); c.1193G>T, p.Trp398Leu (NM_172056.3); short protein forms W339L, W398L, W58L, W298L, W302L.
Identifiers: ClinVar variation 4703632 (VCV004703632.1).

ClinVar aggregate classification (germline): Uncertain significance (1 of 4 stars; one submission).

Conditions:
Long QT syndrome (LQTS). Identifiers: MedGen C0023976, MeSH D008133, MONDO:0002442. Disease mechanism: loss of function. Inheritance: Various modes of inheritance.

gnomAD v4.1: 1 of 1,614,096 alleles (0.000062%); highest among the groups gnomAD compares: South Asian, 0.0011%; no homozygotes.

Submission:

Labcorp Genetics (formerly Invitae), Labcorp
Classification: Uncertain significance for Long QT syndrome. Last evaluated: 2025-03-20. Review status: criteria provided, single submitter. Criteria: Invitae Variant Classification Sherloc (09022015). Collection method: clinical testing. Allele origin: germline.
Comment: This sequence change replaces tryptophan, which is neutral and slightly polar, with leucine, which is neutral and non-polar, at codon 398 of the KCNH2 protein (p.Trp398Leu). This variant is present in population databases (no rsID available, gnomAD 0.003%). This variant has not been reported in the literature in individuals affected with KCNH2-related conditions. An algorithm developed to predict the effect of missense changes on protein structure and function (PolyPhen-2) suggests that this variant is likely to be tolerated. In summary, the available evidence is currently insufficient to determine the role of this variant in disease. Therefore, it has been classified as a Variant of Uncertain Significance.